The following is an entry in ClinVar:

NM_018076.5(ODAD2):c.492A>C (p.Glu164Asp)

Gene: ODAD2 (outer dynein arm docking complex subunit 2; minus strand). Cytogenetic location: 10p12.1.
Variant type: single nucleotide variant.
Coding change: c.492A>C on transcript NM_018076.5 (MANE Select); coding-DNA position 492, A replaced by C.
Protein change: p.Glu164Asp; replaces glutamic acid 164 with aspartic acid.
Molecular consequence: missense variant.
Genome position (GRCh38, 1-based): chr10:27,985,102, T>G on the plus strand (A>C on the coding strand, the complement: ODAD2 is on the minus strand). VCF-style: chr10-27985102-T-G. GRCh37 (hg19) VCF-style: chr10-28274031-T-G.
Other names: c.492A>C, p.Glu164Asp (NM_001290020.2); short protein forms E164D.
Identifiers: ClinVar variation 1799980 (VCV001799980.2), dbSNP rs1849794491, ClinGen allele CA376397197.

ClinVar aggregate classification (germline): Uncertain significance (1 of 4 stars; one submission).

Conditions:
Primary ciliary dyskinesia. Also called: Ciliary dyskinesia. Identifiers: Orphanet 244, MedGen C0008780, MONDO:0016575, HP:0012265.

Submission:

Ambry Genetics
Classification: Uncertain significance for Primary ciliary dyskinesia. Last evaluated: 2022-09-27. Review status: criteria provided, single submitter. Criteria: Ambry Variant Classification Scheme 2023. Collection method: clinical testing. Allele origin: germline.
Comment: The p.E164D variant (also known as c.492A>C), located in coding exon 3 of the ARMC4 gene, results from an A to C substitution at nucleotide position 492. The glutamic acid at codon 164 is replaced by aspartic acid, an amino acid with highly similar properties. This amino acid position is conserved. In addition, this alteration is predicted to be tolerated by in silico analysis. Since supporting evidence is limited at this time, the clinical significance of this alteration remains unclear.